The following is an entry in ClinVar:

ClinVar aggregate classification (germline): Pathogenic/Likely pathogenic. Review status: criteria provided, multiple submitters, no conflicts (2 of 4 stars). 10 submissions from 10 submitters: Pathogenic (8); Likely pathogenic (1). 1 of the submissions does not count toward it. Last evaluated 2025-11-20.

Conditions:
Severe combined immunodeficiency, autosomal recessive, T cell-negative, B cell-negative, NK cell-positive. Also called: Severe combined immunodeficiency due to complete RAG1/2 deficiency; SCID, AR, T-cell negative, B-cell negative, NK cell-positive; SCID, T CELL-NEGATIVE, B CELL-NEGATIVE, NK CELL-POSITIVE. Identifiers: Orphanet 331206, MedGen C1832322, MONDO:0011086, OMIM 601457.
Combined immunodeficiency with skin granulomas. Identifiers: Orphanet 157949, MedGen C2673536, MONDO:0009306, OMIM 233650.
Inherited Immunodeficiency Diseases. Identifiers: MedGen C5197805, MeSH D000081207.
Histiocytic medullary reticulosis. Also called: SEVERE COMBINED IMMUNODEFICIENCY WITH HYPEREOSINOPHILIA; Omenn syndrome. Identifiers: Orphanet 39041, MedGen C2700553, MONDO:0011338, OMIM 603554.
Combined immunodeficiency due to partial RAG1 deficiency. Identifiers: Orphanet 231154, MedGen C1835931, MONDO:0012359, OMIM 609889.

Allele frequency attached by ClinVar (database versions not stated): ExAC 0.00002; gnomAD 0.00002 and 0.00003; TOPMed 0.00002; gnomAD exomes 0.00003 and 0.00004; 1000 Genomes Project 0.00020; 1000 Genomes Project 30x 0.00031.
gnomAD v4.1: 46 of 1,614,178 alleles (0.0028%); highest among the groups gnomAD compares: East Asian, 0.0045%; no homozygotes.

Submissions (10):

3billion
Classification: Pathogenic for Severe combined immunodeficiency, autosomal recessive, T cell-negative, B cell-negative, NK cell-positive. Last evaluated: 2025-11-20. Review status: criteria provided, single submitter. Criteria: ACMG Guidelines, 2015. Collection method: clinical testing. Allele origin: germline. Affected: yes.
Comment: The variant is observed at an extremely low frequency in the gnomAD v4.1.0 dataset (total allele frequency: 0.003%). Predicted Consequence/Location: Missense variant Functional studies provide supporting evidence of the variant having a damaging effect on the gene or gene product (PMID: 9630231). In silico tool predictions suggest damaging effect of the variant on gene or gene product [REVEL: 0.88 (>=0.6, sensitivity 0.68 and specificity 0.92); 3Cnet: 0.98 (> 0.75, sensitivity 0.96 and precision 0.92)]. The same nucleotide change resulting in the same amino acid change has been previously reported as pathogenic/likely pathogenic with strong evidence (ClinVar ID: VCV000013149 /PMID: 9630231). A different missense change at the same codon (p.Arg737Cys) has been reported as pathogenic/likely pathogenic with strong evidence (ClinVar ID: VCV002506198 /PMID: 24144642). Therefore, this variant is classified as Pathogenic according to the recommendation of ACMG/AMP guideline.

Labcorp Genetics (formerly Invitae), Labcorp
Classification: Pathogenic for Combined immunodeficiency with skin granulomas; Severe combined immunodeficiency, autosomal recessive, T cell-negative, B cell-negative, NK cell-positive. Last evaluated: 2025-08-18. Review status: criteria provided, single submitter. Criteria: Invitae Variant Classification Sherloc (09022015). Collection method: clinical testing. Allele origin: germline.
Comment: This sequence change replaces arginine, which is basic and polar, with histidine, which is basic and polar, at codon 737 of the RAG1 protein (p.Arg737His). This variant is present in population databases (rs104894286, gnomAD 0.02%). This missense change has been observed in individual(s) with severe combined immunodeficiency and Omenn syndrome (PMID: 9630231, 17572155, 28109013, 30290665, 30858051). In at least one individual the data is consistent with being in trans (on the opposite chromosome) from a pathogenic variant. This variant is also known as G2322A and c.2322G>A. ClinVar contains an entry for this variant (Variation ID: 13149). Invitae Evidence Modeling of protein sequence and biophysical properties (such as structural, functional, and spatial information, amino acid conservation, physicochemical variation, residue mobility, and thermodynamic stability) has been performed for this missense variant. However, the output from this modeling did not meet the statistical confidence thresholds required to predict the impact of this variant on RAG1 protein function. Experimental studies have shown that this missense change affects RAG1 function (PMID: 9630231). For these reasons, this variant has been classified as Pathogenic.

Next Generation Genetic Polyclinic
Classification: Pathogenic for Severe combined immunodeficiency, autosomal recessive, T cell-negative, B cell-negative, NK cell-positive. Last evaluated: 2025-05-13. Review status: criteria provided, single submitter. Criteria: ACMG Guidelines, 2015. Collection method: clinical testing. Allele origin: germline. Affected: yes. Observed: 1 variant allele.
Comment: The NM_000448.3:c.2210G>A variant in the RAG1 gene results in a missense mutation (p.Arg737His), substituting arginine with histidine at a critical position within the protein’s core domain. RAG1 is essential for V(D)J recombination, a process that generates diverse antigen receptors in B and T cells. This variant disrupts recombinase activity, leading to defective lymphocyte development and function. Clinically, it has been associated with autosomal recessive severe combined immunodeficiency (SCID) and Omenn syndrome, both characterized by profound immunodeficiency, eosinophilia, and autoimmunity. Its absence in population databases and deleterious functional impact support its classification as pathogenic in the germline context.Sanger sequencing confirmed variant presence.

Fulgent Genetics
Classification: Pathogenic for Combined immunodeficiency with skin granulomas; Severe combined immunodeficiency, autosomal recessive, T cell-negative, B cell-negative, NK cell-positive; Histiocytic medullary reticulosis; Combined immunodeficiency due to partial RAG1 deficiency. Last evaluated: 2024-06-25. Review status: criteria provided, single submitter. Criteria: ACMG Guidelines, 2015. Collection method: clinical testing. Allele origin: germline.

Baylor Genetics
Classification: Pathogenic for Combined immunodeficiency due to partial RAG1 deficiency. Last evaluated: 2024-03-27. Review status: criteria provided, single submitter. Criteria: ACMG Guidelines, 2015. Collection method: clinical testing. Allele origin: unknown.

Laboratory of Hereditary Immune Disorders, Research Centre for Medical Genetics
Classification: Pathogenic for Severe combined immunodeficiency, autosomal recessive, T cell-negative, B cell-negative, NK cell-positive. Last evaluated: 2023-12-02. Review status: criteria provided, single submitter. Criteria: ACMG Guidelines, 2015. Collection method: clinical testing. Allele origin: maternal. Inheritance: Autosomal recessive inheritance. Affected: yes. Observed: 1 compound heterozygote.
Comment: This variant has been previously reported in the literature multiple times (PMIDs: 9630231, 11971977, 24290284) and is listed in gnomAD v2.1.1 eleven times, exclusively in heterozygous individuals. The affected amino acid position is evolutionarily conserved, and multiple in silico prediction tools support a deleterious effect. Furthermore, functional studies have demonstrated a damaging impact on RAG1 activity (PMID: 28783691). Taken together, the variant meets the following ACMG/AMP criteria and can be classified as pathogenic with PM2, PP3, PS1, PS3, PP5, PP4 criteria.

Genomic Medicine Center of Excellence, King Faisal Specialist Hospital and Research Centre
Classification: Pathogenic for Severe combined immunodeficiency, autosomal recessive, T cell-negative, B cell-negative, NK cell-positive. Last evaluated: 2023-05-08. Review status: criteria provided, single submitter. Criteria: ACMG Guidelines, 2015. Collection method: research. Allele origin: germline. Affected: yes.

CeGaT Center for Human Genetics Tuebingen
Classification: Pathogenic. Last evaluated: 2019-06-01. Review status: criteria provided, single submitter. Criteria: CeGaT Center For Human Genetics Tuebingen Variant Classification Criteria Version 2. Collection method: clinical testing. Allele origin: germline. Affected: yes. Observed: 1 variant allele.

NIHR Bioresource Rare Diseases, University of Cambridge
Classification: Likely pathogenic for Inherited Immunodeficiency Diseases. Last evaluated: 2019-01-01. Review status: criteria provided, single submitter. Criteria: ACMG Guidelines, 2015. Collection method: research. Allele origin: germline. Affected: yes. Observed: 1 heterozygote.

OMIM
Classification: Pathogenic for OMENN SYNDROME. Last evaluated: 1998-05-29. Review status: no assertion criteria provided. Collection method: literature only. Allele origin: germline. Not counted in ClinVar's aggregate classification.

Literature cited by the submitters: PubMed 24144642 (cited by 3billion); PubMed 9630231 (cited by 3 submitters); PubMed 17572155 (cited by Labcorp Genetics (formerly Invitae), Labcorp); PubMed 28109013 (cited by Labcorp Genetics (formerly Invitae), Labcorp); PubMed 30290665 (cited by Labcorp Genetics (formerly Invitae), Labcorp); PubMed 30858051 (cited by Labcorp Genetics (formerly Invitae), Labcorp); PubMed 38578360 (cited by Laboratory of Hereditary Immune Disorders, Research Centre for Medical Genetics).

NM_000448.3(RAG1):c.2210G>A (p.Arg737His)

Gene: RAG1 (recombination activating 1; plus strand). Cytogenetic location: 11p12.
Variant type: single nucleotide variant.
Coding change: c.2210G>A on transcript NM_000448.3 (MANE Select); coding-DNA position 2210, G replaced by A.
Protein change: p.Arg737His; replaces arginine 737 with histidine.
Molecular consequence: missense variant.
Genome position (GRCh38, 1-based): chr11:36,575,514, G>A. VCF-style: chr11-36575514-G-A. GRCh37 (hg19) VCF-style: chr11-36597064-G-A.
Other names: c.2210G>A, p.Arg737His (NM_001377277.1, NM_001377278.1, NM_001377279.1 and 1 more transcripts); short protein forms R737H.
Identifiers: ClinVar variation 13149 (VCV000013149.54), dbSNP rs104894286, ClinGen allele CA122904.